The following is an entry in ClinVar:

NM_001035.3(RYR2):c.5509G>A (p.Glu1837Lys)

Gene: RYR2 (ryanodine receptor 2; plus strand). Cytogenetic location: 1q43.
Variant type: single nucleotide variant.
Coding change: c.5509G>A on transcript NM_001035.3 (MANE Select); coding-DNA position 5509, G replaced by A.
Protein change: p.Glu1837Lys; replaces glutamic acid 1837 with lysine.
Molecular consequence: missense variant.
Genome position (GRCh38, 1-based): chr1:237,614,637, G>A. VCF-style: chr1-237614637-G-A. GRCh37 (hg19) VCF-style: chr1-237777937-G-A.
Other names: c.5509G>A (NM_001035.2); short protein forms E1837K.
Identifiers: ClinVar variation 925750 (VCV000925750.18), dbSNP rs749184443, ClinGen allele CA086896.

ClinVar aggregate classification (germline): Conflicting classifications of pathogenicity. Review status: criteria provided, conflicting classifications (1 of 4 stars). 6 submissions from 6 submitters: Uncertain significance (4); Likely benign (2). Last evaluated 2025-11-16.

Conditions:
Catecholaminergic polymorphic ventricular tachycardia 1. Also called: RYR2-Related Catecholaminergic Polymorphic Ventricular Tachycardia; VENTRICULAR TACHYCARDIA, STRESS-INDUCED POLYMORPHIC 1; VENTRICULAR TACHYCARDIA, CATECHOLAMINERGIC POLYMORPHIC, 1, WITH OR WITHOUT ATRIAL DYSFUNCTION AND/OR DILATED CARDIOMYOPATHY. Identifiers: Orphanet 3286, MedGen C1631597, MONDO:0011484, OMIM 604772.
Arrhythmogenic right ventricular dysplasia 2. Identifiers: MedGen C1832931.
Ventricular arrhythmias due to cardiac ryanodine receptor calcium release deficiency syndrome. Also called: Autosomal dominant cardiac arrhythmia (Kuhn). Identifiers: MedGen C5542154, MONDO:0020745, OMIM 115000.
Cardiomyopathy (CMYO). Also called: Cardiomyopathies. Identifiers: Orphanet 167848, MedGen C0878544, MONDO:0004994, HP:0001638. Inheritance: Various modes of inheritance.
Catecholaminergic polymorphic ventricular tachycardia (CVPT). Also called: Catecholamine-induced polymorphic ventricular tachycardia. Identifiers: Orphanet 3286, MedGen C5574922, MONDO:0017990.
Cardiovascular phenotype. Identifiers: MedGen CN230736.

Allele frequency attached by ClinVar (database versions not stated): gnomAD exomes 0.00001 and 0.00002; ExAC 0.00003.
gnomAD v4.1: 15 of 1,613,996 alleles (0.00093%); highest among the groups gnomAD compares: East Asian, 0.0022%; no homozygotes.

Submissions (6):

Labcorp Genetics (formerly Invitae), Labcorp
Classification: Likely benign for Catecholaminergic polymorphic ventricular tachycardia 1. Last evaluated: 2025-11-16. Review status: criteria provided, single submitter. Criteria: Invitae Variant Classification Sherloc (09022015). Collection method: clinical testing. Allele origin: germline.

All of Us Research Program, National Institutes of Health
Classification: Uncertain significance for Catecholaminergic polymorphic ventricular tachycardia. Last evaluated: 2024-07-20. Review status: criteria provided, single submitter. Criteria: ACMG Guidelines, 2015. Collection method: clinical testing. Allele origin: germline. Inheritance: Autosomal dominant inheritance. Observed: 4 variant alleles, 4 heterozygotes.
Comment: This missense variant replaces glutamic acid with lysine at codon 1837 of the RYR2 protein. Computational prediction suggests that this variant may not impact protein structure and function (internally defined REVEL score threshold <= 0.5, PMID: 27666373). To our knowledge, functional studies have not been reported for this variant. This variant has been reported in four individuals affected with or suspected of having catecholaminergic polymorphic ventricular tachycardia or exercise-induced long QT syndrome (PMID: 19926015, 29453246). This variant has been identified in 5/248564 chromosomes in the general population by the Genome Aggregation Database (gnomAD). The available evidence is insufficient to determine the role of this variant in disease conclusively. Therefore, this variant is classified as a Variant of Uncertain Significance.

This study involves interpretation of variants in research participants for the purpose of population health screening. Participant phenotype was not available at the time of variant classification. Additional details can be found in publication PMID: 35346344, PMCID: PMC8962531

Color Diagnostics, LLC DBA Color Health
Classification: Uncertain significance for Cardiomyopathy. Last evaluated: 2024-07-15. Review status: criteria provided, single submitter. Criteria: ACMG Guidelines, 2015. Collection method: clinical testing. Allele origin: germline.
Comment: This missense variant replaces glutamic acid with lysine at codon 1837 of the RYR2 protein. Computational prediction suggests that this variant may not impact protein structure and function (internally defined REVEL score threshold <= 0.5, PMID: 27666373). To our knowledge, functional studies have not been reported for this variant. This variant has been reported in four individuals affected with or suspected of having catecholaminergic polymorphic ventricular tachycardia or exercise-induced long QT syndrome (PMID: 19926015, 29453246). This variant has been identified in 5/248564 chromosomes in the general population by the Genome Aggregation Database (gnomAD). The available evidence is insufficient to determine the role of this variant in disease conclusively. Therefore, this variant is classified as a Variant of Uncertain Significance.

Ambry Genetics
Classification: Uncertain significance for Cardiovascular phenotype. Last evaluated: 2023-05-31. Review status: criteria provided, single submitter. Criteria: Ambry Variant Classification Scheme 2023. Collection method: clinical testing. Allele origin: germline.
Comment: The p.E1837K variant (also known as c.5509G>A), located in coding exon 37 of the RYR2 gene, results from a G to A substitution at nucleotide position 5509. The glutamic acid at codon 1837 is replaced by lysine, an amino acid with similar properties. This variant was identified in one individual with catecholaminergic polymorphic ventricular tachycardia (Kapplinger JD et al. Circ Genom Precis Med, 2018 02;11:e001424). In addition, this variant was reported in and exertional syncope cohort (Medeiros-Domingo A et al. J. Am. Coll. Cardiol., 2009 Nov;54:2065-74) and whole exome sequencing cohorts (Landstrom AP et al. Circ Arrhythm Electrophysiol, 2017 Apr;10:; Bajaj A et al. Hum Genomics, 2022 Aug;16:30); however, clinical details were limited. This amino acid position is not well conserved in available vertebrate species. In addition, this alteration is predicted to be tolerated by in silico analysis. Since supporting evidence is limited at this time, the clinical significance of this alteration remains unclear.

Fulgent Genetics
Classification: Uncertain significance for Ventricular arrhythmias due to cardiac ryanodine receptor calcium release deficiency syndrome; Catecholaminergic polymorphic ventricular tachycardia 1. Last evaluated: 2021-07-05. Review status: criteria provided, single submitter. Criteria: ACMG Guidelines, 2015. Collection method: clinical testing. Allele origin: unknown.

Blueprint Genetics
Classification: Likely benign. Last evaluated: 2019-08-09. Review status: criteria provided, single submitter. Criteria: ACMG Guidelines, 2015. Collection method: clinical testing. Allele origin: germline.

Literature cited by the submitters: PubMed 19926015 (cited by 3 submitters); PubMed 29453246 (cited by 3 submitters); PubMed 28404607 (cited by Ambry Genetics); PubMed 35932045 (cited by Ambry Genetics).